The following is an entry in ClinVar:

ClinVar aggregate classification (germline): Uncertain significance (1 of 4 stars; one submission).

Conditions:
Hereditary cancer-predisposing syndrome. Also called: Hereditary Cancer Syndrome; Hereditary neoplastic syndrome; Neoplastic Syndromes, Hereditary; Tumor predisposition. Identifiers: Orphanet 140162, MedGen C0027672, MeSH D009386, MONDO:0015356.

gnomAD v4.1: 1 of 1,613,882 alleles (0.000062%); highest among the groups gnomAD compares: Middle Eastern, 0.017%; no homozygotes.

Submission:

Ambry Genetics
Classification: Uncertain significance for Hereditary cancer-predisposing syndrome. Last evaluated: 2022-01-31. Review status: criteria provided, single submitter. Criteria: Ambry Variant Classification Scheme 2023. Collection method: clinical testing. Allele origin: germline.
Comment: The p.P35S variant (also known as c.103C>T), located in coding exon 1 of the GREM1 gene, results from a C to T substitution at nucleotide position 103. The proline at codon 35 is replaced by serine, an amino acid with similar properties. This amino acid position is conserved. In addition, this alteration is predicted to be tolerated by in silico analysis. Since supporting evidence is limited at this time, the clinical significance of this alteration remains unclear.

NM_013372.7(GREM1):c.103C>T (p.Pro35Ser)

Gene: GREM1 (gremlin 1, DAN family BMP antagonist; plus strand). Cytogenetic location: 15q13.3.
Variant type: single nucleotide variant.
Coding change: c.103C>T on transcript NM_013372.7 (MANE Select); coding-DNA position 103, C replaced by T.
Protein change: p.Pro35Ser; replaces proline 35 with serine.
Molecular consequence: missense variant. On other transcripts: intron variant (1).
Genome position (GRCh38, 1-based): chr15:32,730,793, C>T. VCF-style: chr15-32730793-C-T. GRCh37 (hg19) VCF-style: chr15-33022994-C-T.
Other names: c.103C>T, p.Pro35Ser (NM_001191323.2, NM_001368719.1); c.27+76C>T (NM_001191322.2); short protein forms P35S.
Identifiers: ClinVar variation 1773685 (VCV001773685.2), dbSNP rs111262341, ClinGen allele CA391557189.